The following is an entry in ClinVar:

ClinVar aggregate classification (germline): Uncertain significance. Review status: criteria provided, multiple submitters, no conflicts (2 of 4 stars). 3 submissions from 3 submitters: Uncertain significance (3). Last evaluated 2025-07-28.

Conditions:
Focal segmental glomerulosclerosis 5 (FSGS5). Identifiers: Orphanet 656, MedGen C2750475, MONDO:0013191, OMIM 613237.
Charcot-Marie-Tooth disease dominant intermediate E. Also called: CHARCOT-MARIE-TOOTH NEUROPATHY WITH FOCAL SEGMENTAL GLOMERULONEPHRITIS. Identifiers: Orphanet 93114, MedGen C4302667, MONDO:0013758, OMIM 614455.

Submissions (3):

Labcorp Genetics (formerly Invitae), Labcorp
Classification: Uncertain significance for Charcot-Marie-Tooth disease dominant intermediate E; Focal segmental glomerulosclerosis 5. Last evaluated: 2025-07-28. Review status: criteria provided, single submitter. Criteria: Invitae Variant Classification Sherloc (09022015). Collection method: clinical testing. Allele origin: germline.
Comment: This sequence change creates a premature translational stop signal (p.Lys1243Asnfs*4) in the INF2 gene. While this is not anticipated to result in nonsense mediated decay, it is expected to disrupt the last 7 amino acid(s) of the INF2 protein. This variant is present in population databases (no rsID available, gnomAD 0.006%). This variant has not been reported in the literature in individuals affected with INF2-related conditions. ClinVar contains an entry for this variant (Variation ID: 930687). Experimental studies and prediction algorithms are not available or were not evaluated, and the functional significance of this variant is currently unknown. In summary, the available evidence is currently insufficient to determine the role of this variant in disease. Therefore, it has been classified as a Variant of Uncertain Significance.

Fulgent Genetics
Classification: Uncertain significance for Focal segmental glomerulosclerosis 5; Charcot-Marie-Tooth disease dominant intermediate E. Last evaluated: 2021-12-29. Review status: criteria provided, single submitter. Criteria: ACMG Guidelines, 2015. Collection method: clinical testing. Allele origin: unknown.

Centre for Mendelian Genomics, University Medical Centre Ljubljana
Classification: Uncertain significance for Charcot-Marie-Tooth disease dominant intermediate E. Last evaluated: 2019-11-14. Review status: criteria provided, single submitter. Criteria: ACMG Guidelines, 2015. Collection method: clinical testing. Allele origin: unknown. Affected: yes.
Comment: This variant was classified as: Uncertain significance. The available evidence favors the pathogenic nature of this variant, however the currently available data is insufficient to conclusively support its pathogenic nature. Thus this variant is classified as Uncertain significance - favor pathogenic. The following ACMG criteria were applied in classifying this variant: PP3.

NM_022489.4(INF2):c.3729_3732del (p.Lys1243fs)

Gene: INF2 (inverted formin 2; plus strand). Cytogenetic location: 14q32.33.
Variant type: Deletion.
Coding change: c.3729_3732del on transcript NM_022489.4 (MANE Select); coding-DNA positions 3729 to 3732, 4 bases deleted (GAAA; older notation c.3729_3732delGAAA).
Protein change: p.Lys1243fs; shifts the reading frame from lysine 1243.
Molecular consequence: frameshift variant. On other transcripts: intron variant (1).
Genome position (GRCh38, 1-based): chr14:104,715,318-104,715,321, GAAA deleted; deleting any 4 consecutive bases within chr14:104,715,315-104,715,321 gives the same sequence; the c. name uses the placement nearest the transcript's 3' end. VCF-style (leftmost placement, unchanged base first): chr14-104715314-CAAAG-C. GRCh37 (hg19) VCF-style: chr14-105181651-CAAAG-C.
Other names: c.3694+462_3694+465del (NM_001031714.4); short protein forms K1243fs.
Identifiers: ClinVar variation 930687 (VCV000930687.7), dbSNP rs1566787039, ClinGen allele CA616442580.